The following is an entry in ClinVar:

NM_181712.5(KANK4):c.1893G>A (p.Pro631=)

Gene: KANK4 (KN motif and ankyrin repeat domains 4; minus strand). Cytogenetic location: 1p31.3.
Variant type: single nucleotide variant.
Coding change: c.1893G>A on transcript NM_181712.5 (MANE Select); coding-DNA position 1893, G replaced by A.
Protein change: p.Pro631=; no amino-acid change (proline 631 retained).
Molecular consequence: synonymous variant. On other transcripts: intron variant (1).
Genome position (GRCh38, 1-based): chr1:62,273,211, C>T on the plus strand (G>A on the coding strand, the complement: KANK4 is on the minus strand). VCF-style: chr1-62273211-C-T. GRCh37 (hg19) VCF-style: chr1-62738883-C-T.
Other names: c.17-1622G>A (NM_001320269.2).
Identifiers: ClinVar variation 3058337 (VCV003058337.3), dbSNP rs769448122, ClinGen allele CA884287.

ClinVar aggregate classification (germline): Likely benign. Review status: criteria provided, single submitter (1 of 4 stars). 2 submissions from 2 submitters: Likely benign (1). 1 of the submissions does not count toward it. Last evaluated 2025-02-02.

Conditions:
KANK4-related disorder. Also called: KANK4-related condition.

Allele frequency attached by ClinVar (database versions not stated): gnomAD exomes 0.00002; ExAC 0.00003; gnomAD 0.00003; TOPMed 0.00004.
gnomAD v4.1: 30 of 1,511,576 alleles (0.002%); highest among the groups gnomAD compares: South Asian, 0.013%; no homozygotes.

Submissions (2):

Ambry Genetics
Classification: Likely benign. Last evaluated: 2025-02-02. Review status: criteria provided, single submitter. Criteria: Ambry Variant Classification Scheme 2023. Collection method: clinical testing. Allele origin: germline.

PreventionGenetics, part of Exact Sciences
Classification: Likely benign for KANK4-related condition. Last evaluated: 2019-03-25. Review status: no assertion criteria provided. Collection method: clinical testing. Allele origin: germline. Not counted in ClinVar's aggregate classification.
Comment: This variant is classified as likely benign based on ACMG/AMP sequence variant interpretation guidelines (Richards et al. 2015 PMID: 25741868, with internal and published modifications).